The following is an entry in ClinVar:

NM_000051.4(ATM):c.667G>T (p.Glu223Ter)

Gene: ATM (ATM serine/threonine kinase; plus strand). Cytogenetic location: 11q22.3.
Variant type: single nucleotide variant.
Coding change: c.667G>T on transcript NM_000051.4 (MANE Select); coding-DNA position 667, G replaced by T.
Protein change: p.Glu223Ter; replaces glutamic acid 223 with a stop codon.
Molecular consequence: nonsense.
Genome position (GRCh38, 1-based): chr11:108,244,792, G>T. VCF-style: chr11-108244792-G-T. GRCh37 (hg19) VCF-style: chr11-108115519-G-T.
Other names: c.667G>T, p.Glu223Ter (NM_001351834.2); short protein forms E223*.
Identifiers: ClinVar variation 3253320 (VCV003253320.1), dbSNP rs2497146555.

ClinVar aggregate classification (germline): Pathogenic (1 of 4 stars; one submission).

Submission:

GeneDx
Classification: Pathogenic. Last evaluated: 2023-04-19. Review status: criteria provided, single submitter. Criteria: GeneDx Variant Classification Process June 2021. Collection method: clinical testing. Allele origin: germline. Affected: yes.
Comment: Nonsense variant predicted to result in protein truncation or nonsense mediated decay in a gene for which loss of function is a known mechanism of disease; Not observed at significant frequency in large population cohorts (gnomAD); Truncating variants in this gene are considered pathogenic by a well-established clinical consortium and/or database; Co-occurred with an ATM canonical splice variant in a patient with ataxia telangiectasia (Micol et al., 2011); This variant is associated with the following publications: (PMID: 21665257, 25122203)